The following is an entry in ClinVar:

NM_020975.6(RET):c.1550T>C (p.Leu517Pro)

Gene: RET (ret proto-oncogene; plus strand). Cytogenetic location: 10q11.21.
Variant type: single nucleotide variant.
Coding change: c.1550T>C on transcript NM_020975.6 (MANE Select); coding-DNA position 1550, T replaced by C.
Protein change: p.Leu517Pro; replaces leucine 517 with proline.
Molecular consequence: missense variant.
Genome position (GRCh38, 1-based): chr10:43,112,126, T>C. VCF-style: chr10-43112126-T-C. GRCh37 (hg19) VCF-style: chr10-43607574-T-C.
Other names: c.1550T>C, p.Leu517Pro (NM_000323.2, NM_001406743.1, NM_001406744.1 and 6 more transcripts); c.788T>C, p.Leu263Pro (NM_001355216.2); c.1421T>C, p.Leu474Pro (NM_001406761.1, NM_001406762.1, NM_001406764.1 and 1 more transcripts); c.1262T>C, p.Leu421Pro (NM_001406766.1, NM_001406767.1, NM_001406770.1); c.1154T>C, p.Leu385Pro (NM_001406769.1, NM_001406772.1); c.1112T>C, p.Leu371Pro (NM_001406771.1, NM_001406773.1); c.1025T>C, p.Leu342Pro (NM_001406774.1); c.824T>C, p.Leu275Pro (NM_001406775.1, NM_001406776.1, NM_001406777.1 and 1 more transcripts); and 5 more; short protein forms L122P, L218P, L263P, L371P, L187P, L34P, L421P, L517P.
Identifiers: ClinVar variation 2587883 (VCV002587883.2), dbSNP rs2132797163, ClinGen allele CA376550308.
Genomic context (GRCh38, chr10:43,112,126, plus strand): 5'-CCCCCTGTGACCCTGCTTGTCTGCCACCTGCAGATGTGGCCGAGGAGGCGGGCTGCCCCC[T>C]GTCCTGTGCAGTCAGCAAGAGACGGCTGGAGTGTGAGGAGTGTGGCGGCCTGGGCTCCCC-3'
Protein context (NP_066124.1, residues 507-527): SYVAEEAGCP[Leu517Pro]SCAVSKRRLE

ClinVar aggregate classification (germline): Uncertain significance (1 of 4 stars; one submission).

Conditions:
Hereditary cancer-predisposing syndrome. Also called: Tumor predisposition; Hereditary Cancer Syndrome; Hereditary neoplastic syndrome; Neoplastic Syndromes, Hereditary. Identifiers: Orphanet 140162, MedGen C0027672, MeSH D009386, MONDO:0015356.

Allele frequency attached by ClinVar (database versions not stated): gnomAD exomes below 0.00001.
gnomAD v4.1: 1 of 1,601,646 alleles (0.000062%); highest among the groups gnomAD compares: Non-Finnish European, 0.000085%; no homozygotes.

Submission:

Ambry Genetics
Classification: Uncertain significance for Hereditary cancer-predisposing syndrome. Last evaluated: 2023-07-27. Review status: criteria provided, single submitter. Criteria: Ambry Variant Classification Scheme 2023. Collection method: clinical testing. Allele origin: germline.
Comment: The p.L517P variant (also known as c.1550T>C), located in coding exon 8 of the RET gene, results from a T to C substitution at nucleotide position 1550. The leucine at codon 517 is replaced by proline, an amino acid with similar properties. This amino acid position is conserved. In addition, the in silico prediction for this alteration is inconclusive. Since supporting evidence is limited at this time, the clinical significance of this alteration remains unclear.